The following is an entry in ClinVar:

NM_005751.5(AKAP9):c.11431G>A (p.Asp3811Asn)

Gene: AKAP9 (A-kinase anchoring protein 9; plus strand). Cytogenetic location: 7q21.2.
Variant type: single nucleotide variant.
Coding change: c.11431G>A on transcript NM_005751.5 (MANE Select); coding-DNA position 11431, G replaced by A.
Protein change: p.Asp3811Asn; replaces aspartic acid 3811 with asparagine.
Molecular consequence: missense variant.
Genome position (GRCh38, 1-based): chr7:92,107,307, G>A. VCF-style: chr7-92107307-G-A. GRCh37 (hg19) VCF-style: chr7-91736621-G-A.
Other names: c.6076G>A, p.Asp2026Asn (NM_001379277.1); c.11407G>A, p.Asp3803Asn (NM_147185.3); short protein forms D2026N, D3803N, D3811N.
Identifiers: ClinVar variation 2084458 (VCV002084458.6), dbSNP rs2535331570, ClinGen allele CA368164087.

ClinVar aggregate classification (germline): Uncertain significance. Review status: criteria provided, multiple submitters, no conflicts (2 of 4 stars). 3 submissions from 3 submitters: Uncertain significance (3). Last evaluated 2026-05-28.

Conditions:
Long QT syndrome (LQTS). Identifiers: MedGen C0023976, MeSH D008133, MONDO:0002442. Disease mechanism: loss of function. Inheritance: Various modes of inheritance.
Cardiovascular phenotype. Identifiers: MedGen CN230736.

Allele frequency attached by ClinVar (database versions not stated): gnomAD exomes below 0.00001.
gnomAD v4.1: 1 of 1,613,860 alleles (0.000062%); highest among the groups gnomAD compares: Non-Finnish European, 0.000085%; no homozygotes.

Submissions (3):

Ambry Genetics
Classification: Uncertain significance for Cardiovascular phenotype. Last evaluated: 2026-05-28. Review status: criteria provided, single submitter. Criteria: Ambry Variant Classification Scheme 2023. Collection method: clinical testing. Allele origin: germline.
Comment: The p.D3811N variant (also known as c.11431G>A), located in coding exon 48 of the AKAP9 gene, results from a G to A substitution at nucleotide position 11431. The aspartic acid at codon 3811 is replaced by asparagine, an amino acid with highly similar properties. This amino acid position is conserved. In addition, this alteration is predicted to be tolerated by in silico analysis. Based on the available evidence, the clinical significance of this variant remains unclear.

Labcorp Genetics (formerly Invitae), Labcorp
Classification: Uncertain significance for Long QT syndrome. Last evaluated: 2022-04-28. Review status: criteria provided, single submitter. Criteria: Invitae Variant Classification Sherloc (09022015). Collection method: clinical testing. Allele origin: germline.
Comment: Algorithms developed to predict the effect of sequence changes on RNA splicing suggest that this variant may disrupt the consensus splice site. In summary, the available evidence is currently insufficient to determine the role of this variant in disease. Therefore, it has been classified as a Variant of Uncertain Significance. This variant is not present in population databases (gnomAD no frequency). This sequence change replaces aspartic acid, which is acidic and polar, with asparagine, which is neutral and polar, at codon 3811 of the AKAP9 protein (p.Asp3811Asn). Algorithms developed to predict the effect of missense changes on protein structure and function are either unavailable or do not agree on the potential impact of this missense change (SIFT: "Deleterious"; PolyPhen-2: "Possibly Damaging"; Align-GVGD: "Class C0"). This variant has not been reported in the literature in individuals affected with AKAP9-related conditions.

Blueprint Genetics
Classification: Uncertain significance. Last evaluated: 2021-09-06. Review status: criteria provided, single submitter. Criteria: ACMG Guidelines, 2015. Collection method: clinical testing. Allele origin: germline.